The following is an entry in ClinVar:

NM_004006.3(DMD):c.2995C>T (p.Leu999Phe)

Gene: DMD (dystrophin; minus strand). Cytogenetic location: Xp21.1.
Variant type: single nucleotide variant.
Coding change: c.2995C>T on transcript NM_004006.3 (MANE Select); coding-DNA position 2995, C replaced by T.
Protein change: p.Leu999Phe; replaces leucine 999 with phenylalanine.
Molecular consequence: missense variant.
Genome position (GRCh38, 1-based): chrX:32,468,665, G>A on the plus strand (C>T on the coding strand, the complement: DMD is on the minus strand). VCF-style: chrX-32468665-G-A. GRCh37 (hg19) VCF-style: chrX-32486782-G-A.
Other names: c.2971C>T, p.Leu991Phe (NM_000109.4); c.2983C>T, p.Leu995Phe (NM_004009.3); c.2626C>T, p.Leu876Phe (NM_004010.3); short protein forms L876F, L991F, L995F, L999F.
Identifiers: ClinVar variation 1719970 (VCV001719970.6), dbSNP rs2040304156, ClinGen allele CA412667096.
Genomic context (GRCh38, chrX:32,468,665, plus strand): 5'-GATATTTCCGGCTAATTTCAGAGGGCGCTTTCTTCGACATCTCTTTCACAGTGGTGCTGA[G>A]ATAGTATAGGCCACTTTGTTGCTCTTGCAGAGAACTTTGTAAAGCCTAAAAAACAATTTT-3'
Protein context (NP_003997.2, residues 989-1009): LQEQQSGLYY[Leu999Phe]STTVKEMSKK

ClinVar aggregate classification (germline): Uncertain significance (1 of 4 stars; one submission).

Conditions:
Duchenne muscular dystrophy (DMD). Also called: MUSCULAR DYSTROPHY, PSEUDOHYPERTROPHIC PROGRESSIVE, DUCHENNE TYPE; Duchenne Muscular Dystrophy (DMD). Identifiers: Orphanet 98896, MedGen C0013264, MONDO:0010679, OMIM 310200.

Submission:

Labcorp Genetics (formerly Invitae), Labcorp
Classification: Uncertain significance for Duchenne muscular dystrophy. Last evaluated: 2022-11-09. Review status: criteria provided, single submitter. Criteria: Invitae Variant Classification Sherloc (09022015). Collection method: clinical testing. Allele origin: germline.
Comment: This variant is not present in population databases (gnomAD no frequency). This sequence change replaces leucine, which is neutral and non-polar, with phenylalanine, which is neutral and non-polar, at codon 999 of the DMD protein (p.Leu999Phe). This variant has not been reported in the literature in individuals affected with DMD-related conditions. Advanced modeling of protein sequence and biophysical properties (such as structural, functional, and spatial information, amino acid conservation, physicochemical variation, residue mobility, and thermodynamic stability) performed at Invitae indicates that this missense variant is not expected to disrupt DMD protein function. Algorithms developed to predict the effect of sequence changes on RNA splicing suggest that this variant may create or strengthen a splice site. In summary, the available evidence is currently insufficient to determine the role of this variant in disease. Therefore, it has been classified as a Variant of Uncertain Significance.